The following is an entry in ClinVar:

ClinVar aggregate classification (germline): Uncertain significance (1 of 4 stars; one submission).

Conditions:
Sotos syndrome (SOTOS). Also called: CEREBRAL GIGANTISM; Sotos' syndrome; Distinctive facial appearance, overgrowth in childhood, and learning disabilities or delayed development; CHROMOSOME 5q35 DELETION SYNDROME; SOTOS SYNDROME 1. Identifiers: Orphanet 821, MedGen C0175695, MONDO:0019349, OMIM 117550.

Submission:

MVZ Medizinische Genetik Mainz
Classification: Uncertain significance for Sotos syndrome. Last evaluated: 2025-12-11. Review status: criteria provided, single submitter. Criteria: UK Practice Guidelines For Variant Classification V4 01 2020. Collection method: clinical testing. Allele origin: germline. Inheritance: Autosomal dominant inheritance. Affected: yes. Observed: 1 variant allele.
Comment: ACMG Criteria: PVS1_STR,PP1

NM_022455.5(NSD1):c.-17-2A>G

Gene: NSD1 (nuclear receptor binding SET domain protein 1; plus strand). Cytogenetic location: 5q35.3.
Variant type: single nucleotide variant.
Coding change: c.-17-2A>G on transcript NM_022455.5 (MANE Select); the canonical splice acceptor site of the intron before 17 bases upstream of the start codon, A replaced by G.
Molecular consequence: splice acceptor variant.
Genome position (GRCh38, 1-based): chr5:177,135,085, A>G. VCF-style: chr5-177135085-A-G. GRCh37 (hg19) VCF-style: chr5-176562086-A-G.
Other names: c.-17-2A>G (NM_001409301.1, NM_001409304.1, NM_001409302.1 and 1 more transcripts); c.-150-2A>G (NM_001409305.1, NM_001409306.1, NM_001409308.1 and 4 more transcripts).
Identifiers: ClinVar variation 4540435 (VCV004540435.1).